The following is an entry in ClinVar:

NM_000321.3(RB1):c.2212-1G>C

Gene: RB1 (RB transcriptional corepressor 1; plus strand). Cytogenetic location: 13q14.2.
Variant type: single nucleotide variant.
Coding change: c.2212-1G>C on transcript NM_000321.3 (MANE Select); the canonical splice acceptor site of the intron before coding-DNA position 2212, G replaced by C.
Molecular consequence: splice acceptor variant.
Genome position (GRCh38, 1-based): chr13:48,464,997, G>C. VCF-style: chr13-48464997-G-C. GRCh37 (hg19) VCF-style: chr13-49039133-G-C.
Other names: c.2212-1G>C (NM_001407165.1).
Identifiers: ClinVar variation 1076417 (VCV001076417.7), dbSNP rs587776786, ClinGen allele CA388167444.

ClinVar aggregate classification (germline): Pathogenic (1 of 4 stars; one submission).

Conditions:
Retinoblastoma (RB1). Also called: RETINOBLASTOMA, SOMATIC. Identifiers: Orphanet 790, MedGen C0035335, MeSH D012175, MONDO:0008380, OMIM 180200, HP:0009919. Disease mechanism: loss of function. Inheritance: Both sporadic and heritable forms are tested..

Submission:

Labcorp Genetics (formerly Invitae), Labcorp
Classification: Pathogenic for Retinoblastoma. Last evaluated: 2020-08-16. Review status: criteria provided, single submitter. Criteria: Invitae Variant Classification Sherloc (09022015). Collection method: clinical testing. Allele origin: germline.
Comment: This sequence change affects an acceptor splice site in intron 21 of the RB1 gene. It is expected to disrupt RNA splicing and likely results in an absent or disrupted protein product. This variant is not present in population databases (ExAC no frequency). Disruption of this splice site has been observed in individual(s) with bilateral retinoblastomas (PMID: 25712084, Invitae). Experimental studies have shown that disruption of this splice site disrupts mRNA splicing (PMID: 2601691). Donor and acceptor splice site variants typically lead to a loss of protein function (PMID: 16199547), and loss-of-function variants in RB1 are known to be pathogenic (PMID: 17096365). For these reasons, this variant has been classified as Pathogenic.

Literature cited by the submitters: PubMed 25712084; PubMed 2601691; PubMed 16199547; PubMed 17096365.